The following is an entry in ClinVar:

NM_006946.4(SPTBN2):c.6775A>G (p.Lys2259Glu)

Gene: SPTBN2 (spectrin beta, non-erythrocytic 2; minus strand). Cytogenetic location: 11q13.2.
Variant type: single nucleotide variant.
Coding change: c.6775A>G on transcript NM_006946.4 (MANE Select); coding-DNA position 6775, A replaced by G.
Protein change: p.Lys2259Glu; replaces lysine 2259 with glutamic acid.
Molecular consequence: missense variant.
Genome position (GRCh38, 1-based): chr11:66,687,115, T>C on the plus strand (A>G on the coding strand, the complement: SPTBN2 is on the minus strand). VCF-style: chr11-66687115-T-C. GRCh37 (hg19) VCF-style: chr11-66454586-T-C.
Other names: c.6796A>G, p.Lys2266Glu (NM_001411025.1); short protein forms K2259E, K2266E.
Identifiers: ClinVar variation 1708624 (VCV001708624.2), dbSNP rs2495744276, ClinGen allele CA381455158.
Genomic context (GRCh38, chr11:66,687,115, plus strand): 5'-CCAGGCTGACAGGCACTTCTCCGTGGTATGGCACTCCCGCGCTGGCTGCCTTGGCATCCT[T>C]GTAAAAGCCGAGGCTCCCACGCCGCAGGACACAGTACACGTTCTGCCAGGACCTGCGAGG-3'
Protein context (NP_008877.2, residues 2249-2269): VLRRGSLGFY[Lys2259Glu]DAKAASAGVP

ClinVar aggregate classification (germline): Uncertain significance (1 of 4 stars; one submission).

Submission:

GeneDx
Classification: Uncertain significance. Last evaluated: 2022-04-04. Review status: criteria provided, single submitter. Criteria: GeneDx Variant Classification Process June 2021. Collection method: clinical testing. Allele origin: germline. Affected: yes.
Comment: Not observed at significant frequency in large population cohorts (gnomAD); In silico analysis supports that this missense variant has a deleterious effect on protein structure/function; Has not been previously published as pathogenic or benign to our knowledge